The following is an entry in ClinVar:

NM_002485.5(NBN):c.1090G>A (p.Val364Ile)

Gene: NBN (nibrin; minus strand). Cytogenetic location: 8q21.3.
Variant type: single nucleotide variant.
Coding change: c.1090G>A on transcript NM_002485.5 (MANE Select); coding-DNA position 1090, G replaced by A.
Protein change: p.Val364Ile; replaces valine 364 with isoleucine.
Molecular consequence: missense variant.
Genome position (GRCh38, 1-based): chr8:89,958,759, C>T on the plus strand (G>A on the coding strand, the complement: NBN is on the minus strand). VCF-style: chr8-89958759-C-T. GRCh37 (hg19) VCF-style: chr8-90970987-C-T.
Other names: c.844G>A, p.Val282Ile (NM_001024688.3); short protein forms V364I, V282I.
Identifiers: ClinVar variation 630221 (VCV000630221.23), dbSNP rs765403660, ClinGen allele CA4802806.

ClinVar aggregate classification (germline): Uncertain significance. Review status: criteria provided, multiple submitters, no conflicts (2 of 4 stars). 4 submissions from 4 submitters: Uncertain significance (3). 1 of the submissions does not count toward it. Last evaluated 2024-05-20.

Conditions:
Hereditary cancer-predisposing syndrome. Also called: Hereditary Cancer Syndrome; Neoplastic Syndromes, Hereditary; Tumor predisposition; Hereditary neoplastic syndrome. Identifiers: Orphanet 140162, MedGen C0027672, MeSH D009386, MONDO:0015356.
Microcephaly, normal intelligence and immunodeficiency (NBS). Also called: Immunodeficiency, microcephaly with normal intelligence; SEEMANOVA SYNDROME II; Nijmegen breakage syndrome; Microcephaly with normal intelligence immunodeficiency and lymphoreticular malignancies; Nonsyndromal microcephaly autosomal recessive with normal intelligence; Seemanova syndrome 2. Identifiers: Orphanet 647, MedGen C0398791, MONDO:0009623, OMIM 251260.

Allele frequency attached by ClinVar (database versions not stated): TOPMed below 0.00001; ExAC 0.00001; gnomAD exomes 0.00001.
gnomAD v4.1: 2 of 1,614,062 alleles (0.00012%); highest among the groups gnomAD compares: Middle Eastern, 0.017%; no homozygotes.

Submissions (4):

Labcorp Genetics (formerly Invitae), Labcorp
Classification: Uncertain significance for Microcephaly, normal intelligence and immunodeficiency. Last evaluated: 2024-05-20. Review status: criteria provided, single submitter. Criteria: Invitae Variant Classification Sherloc (09022015). Collection method: clinical testing. Allele origin: germline.
Comment: This sequence change replaces valine, which is neutral and non-polar, with isoleucine, which is neutral and non-polar, at codon 364 of the NBN protein (p.Val364Ile). This variant is present in population databases (rs765403660, gnomAD 0.003%). This variant has not been reported in the literature in individuals affected with NBN-related conditions. ClinVar contains an entry for this variant (Variation ID: 630221). An algorithm developed to predict the effect of missense changes on protein structure and function (PolyPhen-2) suggests that this variant¬†is likely to be tolerated. In summary, the available evidence is currently insufficient to determine the role of this variant in disease. Therefore, it has been classified as a Variant of Uncertain Significance.

Genome-Nilou Lab
Classification: Uncertain significance for Microcephaly, normal intelligence and immunodeficiency. Last evaluated: 2021-11-07. Review status: criteria provided, single submitter. Criteria: ACMG Guidelines, 2015. Collection method: clinical testing. Allele origin: germline. Affected: no.

Ambry Genetics
Classification: Uncertain significance for Hereditary cancer-predisposing syndrome. Last evaluated: 2021-03-26. Review status: criteria provided, single submitter. Criteria: Ambry Variant Classification Scheme 2023. Collection method: clinical testing. Allele origin: germline.
Comment: The p.V364I variant (also known as c.1090G>A), located in coding exon 9 of the NBN gene, results from a G to A substitution at nucleotide position 1090. The valine at codon 364 is replaced by isoleucine, an amino acid with highly similar properties. This alteration was not observed in unselected breast cancer patients and was reported with a carrier frequency of 0.0001 in 12,490 controls of Japanese ancestry (Momozawa Y et al. Nat Commun, 2018 10;9:4083). This amino acid position is well conserved in available vertebrate species. In addition, this alteration is predicted to be tolerated by in silico analysis. Since supporting evidence is limited at this time, the clinical significance of this alteration remains unclear.

Natera, Inc.
Classification: Uncertain significance for Nijmegen breakage syndrome. Last evaluated: 2021-03-17. Review status: no assertion criteria provided. Collection method: clinical testing. Allele origin: germline. Not counted in ClinVar's aggregate classification.

Literature cited by the submitters: PubMed 30287823 (cited by Ambry Genetics).